The following is an entry in ClinVar:

NM_032498.3(RHOXF2):c.186G>A (p.Ser62=)

Gene: RHOXF2 (Rhox homeobox family member 2; plus strand). Cytogenetic location: Xq24.
Variant type: single nucleotide variant.
Coding change: c.186G>A on transcript NM_032498.3 (MANE Select); coding-DNA position 186, G replaced by A.
Protein change: p.Ser62=; no amino-acid change (serine 62 retained).
Molecular consequence: synonymous variant.
Genome position (GRCh38, 1-based): chrX:120,159,121, G>A. VCF-style: chrX-120159121-G-A. GRCh37 (hg19) VCF-style: chrX-119293027-G-A.
Identifiers: ClinVar variation 2661315 (VCV002661315.24), dbSNP rs374278020, ClinGen allele CA10504211.

ClinVar aggregate classification (germline): Likely benign (1 of 4 stars; one submission).

Allele frequency attached by ClinVar (database versions not stated): TOPMed 0.00012; gnomAD 0.00015; ExAC 0.00020; gnomAD exomes 0.00023; 1000 Genomes Project 30x 0.00042; ESP Exome Variant Server 0.00080.
gnomAD v4.1: 264 of 1,199,051 alleles (0.022%); highest among the groups gnomAD compares: Non-Finnish European, 0.028%; 1 homozygote.

Submission:

CeGaT Center for Human Genetics Tuebingen
Classification: Likely benign. Last evaluated: 2022-08-01. Review status: criteria provided, single submitter. Criteria: CeGaT Center For Human Genetics Tuebingen Variant Classification Criteria Version 2. Collection method: clinical testing. Allele origin: germline. Affected: yes. Observed: 1 variant allele.
Comment: RHOXF2: BP4, BP7